The following is an entry in ClinVar:

ClinVar aggregate classification (germline): Uncertain significance. Review status: criteria provided, multiple submitters, no conflicts (2 of 4 stars). 2 submissions from 2 submitters: Uncertain significance (2). Last evaluated 2024-11-26.

Conditions:
Inborn genetic diseases. Identifiers: MedGen C0950123, MeSH D030342.

Allele frequency attached by ClinVar (database versions not stated): ExAC 0.00001.

Submissions (2):

Ambry Genetics
Classification: Uncertain significance for Inborn genetic diseases. Last evaluated: 2024-11-26. Review status: criteria provided, single submitter. Criteria: Ambry Variant Classification Scheme 2023. Collection method: clinical testing. Allele origin: germline.
Comment: The p.D1152A variant (also known as c.3455A>C), located in coding exon 24 of the ANKRD26 gene, results from an A to C substitution at nucleotide position 3455. The aspartic acid at codon 1152 is replaced by alanine, an amino acid with dissimilar properties. This amino acid position is conserved. In addition, this alteration is predicted to be tolerated by in silico analysis. Based on the available evidence, the clinical significance of this variant remains unclear.

Labcorp Genetics (formerly Invitae), Labcorp
Classification: Uncertain significance. Last evaluated: 2023-08-17. Review status: criteria provided, single submitter. Criteria: Invitae Variant Classification Sherloc (09022015). Collection method: clinical testing. Allele origin: germline.
Comment: This sequence change replaces aspartic acid, which is acidic and polar, with alanine, which is neutral and non-polar, at codon 1152 of the ANKRD26 protein (p.Asp1152Ala). This variant is present in population databases (rs764816239, gnomAD 0.002%). This variant has not been reported in the literature in individuals affected with ANKRD26-related conditions. An algorithm developed to predict the effect of missense changes on protein structure and function (PolyPhen-2) suggests that this variant is likely to be disruptive. In summary, the available evidence is currently insufficient to determine the role of this variant in disease. Therefore, it has been classified as a Variant of Uncertain Significance.

NM_014915.3(ANKRD26):c.3455A>C (p.Asp1152Ala)

Gene: ANKRD26 (ankyrin repeat domain 26; minus strand). Cytogenetic location: 10p12.1.
Variant type: single nucleotide variant.
Coding change: c.3455A>C on transcript NM_014915.3 (MANE Select); coding-DNA position 3455, A replaced by C.
Protein change: p.Asp1152Ala; replaces aspartic acid 1152 with alanine.
Molecular consequence: missense variant.
Genome position (GRCh38, 1-based): chr10:27,034,995, T>G on the plus strand (A>C on the coding strand, the complement: ANKRD26 is on the minus strand). VCF-style: chr10-27034995-T-G. GRCh37 (hg19) VCF-style: chr10-27323924-T-G.
Other names: c.3452A>C, p.Asp1151Ala (NM_001256053.2); short protein forms D1151A, D1152A.
Identifiers: ClinVar variation 2895203 (VCV002895203.4), dbSNP rs764816239, ClinGen allele CA5448035.